The following is an entry in ClinVar:

NM_000053.4(ATP7B):c.1426G>A (p.Ala476Thr)

Gene: ATP7B (ATPase copper transporting beta; minus strand). Cytogenetic location: 13q14.3.
Variant type: single nucleotide variant.
Coding change: c.1426G>A on transcript NM_000053.4 (MANE Select); coding-DNA position 1426, G replaced by A.
Protein change: p.Ala476Thr; replaces alanine 476 with threonine.
Molecular consequence: missense variant.
Genome position (GRCh38, 1-based): chr13:51,970,609, C>T on the plus strand (G>A on the coding strand, the complement: ATP7B is on the minus strand). VCF-style: chr13-51970609-C-T. GRCh37 (hg19) VCF-style: chr13-52544745-C-T.
Other names: c.1426G>A, p.Ala476Thr (NM_001005918.3, NM_001330578.2, NM_001330579.2); c.1093G>A, p.Ala365Thr (NM_001243182.2); short protein forms A476T, A365T.
Identifiers: ClinVar variation 284672 (VCV000284672.37), dbSNP rs139289704, ClinGen allele CA6989352.

ClinVar aggregate classification (germline): Conflicting classifications of pathogenicity. Review status: criteria provided, conflicting classifications (1 of 4 stars). 8 submissions from 8 submitters: Uncertain significance (1); Likely benign (7). Last evaluated 2026-06-08.

Conditions:
Wilson disease (WND). Also called: Wilson's disease. Identifiers: Orphanet 905, MedGen C0019202, MONDO:0010200, OMIM 277900. Disease mechanism: loss of function.

Allele frequency attached by ClinVar (database versions not stated): gnomAD 0.00021 and 0.00013; 1000 Genomes Project 30x 0.00031; 1000 Genomes Project 0.00040; TOPMed 0.00040; ExAC 0.00044; gnomAD exomes 0.00052.
gnomAD v4.1: 276 of 1,614,078 alleles (0.017%); highest among the groups gnomAD compares: East Asian, 0.58%; 1 homozygote.

Submissions (8):

Women's Health and Genetics/Laboratory Corporation of America, LabCorp
Classification: Likely benign. Last evaluated: 2026-06-08. Review status: criteria provided, single submitter. Criteria: LabCorp Variant Classification Summary - May 2015. Collection method: clinical testing. Allele origin: germline.
Comment: Variant summary: ATP7B c.1426G>A (p.Ala476Thr) results in a non-conservative amino acid change in the encoded protein sequence. Algorithms developed to predict the effect of missense changes on protein structure and function are either unavailable or do not agree on the potential impact of this missense change. The variant allele was found at a frequency of 0.00052 in 250536 control chromosomes, predominantly at a frequency of 0.0071 within the East Asian subpopulation in the gnomAD database. The observed variant frequency within East Asian control individuals in the gnomAD database exceeds the estimated maximal expected allele frequency for disease-causing variants in ATP7B. c.1426G>A has been observed in individuals affected with ATP7B-related conditions without strong evidence for causality (e.g. Dong_2016). These reports do not provide unequivocal conclusions about association of the variant with disease. At least one publication reports experimental evidence evaluating an impact on protein function. These results showed no damaging effect of this variant (Calvo_2025). The following publications have been ascertained in the context of this evaluation (PMID: 20465995, 27022412, 20045993, 40661833). ClinVar contains an entry for this variant (Variation ID: 284672). Based on the evidence outlined above, the variant was classified as likely benign.

Labcorp Genetics (formerly Invitae), Labcorp
Classification: Likely benign for Wilson disease. Last evaluated: 2026-02-04. Review status: criteria provided, single submitter. Criteria: Invitae Variant Classification Sherloc (09022015). Collection method: clinical testing. Allele origin: germline.

Blueprint Genetics
Classification: Likely benign. Last evaluated: 2024-04-04. Review status: criteria provided, single submitter. Criteria: ACMG Guidelines, 2015. Collection method: clinical testing. Allele origin: germline.

Color Diagnostics, LLC DBA Color Health
Classification: Likely benign for Wilson disease. Last evaluated: 2022-09-29. Review status: criteria provided, single submitter. Criteria: ACMG Guidelines, 2015. Collection method: clinical testing. Allele origin: germline.

Genome-Nilou Lab
Classification: Likely benign for Wilson disease. Last evaluated: 2021-08-10. Review status: criteria provided, single submitter. Criteria: ACMG Guidelines, 2015. Collection method: clinical testing. Allele origin: germline. Affected: no.

GeneDx
Classification: Likely benign. Last evaluated: 2020-11-11. Review status: criteria provided, single submitter. Criteria: GeneDx Variant Classification Process June 2021. Collection method: clinical testing. Allele origin: germline. Affected: yes.
Comment: This variant is associated with the following publications: (PMID: 22995429, 29063292, 20465995, 27022412, 20045993, 28515472)

Illumina Laboratory Services, Illumina
Classification: Uncertain significance for Wilson disease. Last evaluated: 2018-07-10. Review status: criteria provided, single submitter. Criteria: ICSL Variant Classification Criteria 13 December 2019. Collection method: clinical testing. Allele origin: germline.

Eurofins Ntd Llc (ga)
Classification: Likely benign. Last evaluated: 2015-11-16. Review status: criteria provided, single submitter. Criteria: EGL Classification Definitions 2015. Collection method: clinical testing. Allele origin: germline. Observed: 1 variant allele, 1 heterozygote.

Literature cited by the submitters: PubMed 20465995 (cited by Women's Health and Genetics/Laboratory Corporation of America, LabCorp); PubMed 27022412 (cited by Women's Health and Genetics/Laboratory Corporation of America, LabCorp); PubMed 20045993 (cited by Women's Health and Genetics/Laboratory Corporation of America, LabCorp); PubMed 40661833 (cited by Women's Health and Genetics/Laboratory Corporation of America, LabCorp).